The following is an entry in ClinVar:

NM_005076.5(CNTN2):c.2835C>T (p.Thr945=)

Genes: CNTN2 (contactin 2; plus strand), LOC126805985 (MED14-independent group 3 enhancer GRCh37_chr1:205041546-205042745; plus strand). Cytogenetic location: 1q32.1.
Variant type: single nucleotide variant.
Coding change: c.2835C>T on transcript NM_005076.5 (MANE Select); coding-DNA position 2835, C replaced by T.
Protein change: p.Thr945=; no amino-acid change (threonine 945 retained).
Molecular consequence: synonymous variant. On other transcripts: non-coding transcript variant (1).
Genome position (GRCh38, 1-based): chr1:205,072,586, C>T. VCF-style: chr1-205072586-C-T. GRCh37 (hg19) VCF-style: chr1-205041714-C-T.
Other names: c.2835C>T, p.Thr945= (NM_001346083.2); c.2835C>T (NM_005076.4).
Identifiers: ClinVar variation 1135682 (VCV001135682.11), dbSNP rs141466578, ClinGen allele CA1351800.

ClinVar aggregate classification (germline): Likely benign. Review status: criteria provided, single submitter (1 of 4 stars). 2 submissions from 2 submitters: Likely benign (1). 1 of the submissions does not count toward it. Last evaluated 2025-07-25.

Conditions:
Epilepsy, familial adult myoclonic, 5 (EPEO5). Also called: CORTICAL MYOCLONIC TREMOR WITH EPILEPSY, FAMILIAL, 5. Identifiers: Orphanet 86814, MedGen C3809374, MONDO:0014167, OMIM 615400.
CNTN2-related disorder. Also called: CNTN2-related condition.

Allele frequency attached by ClinVar (database versions not stated): ExAC 0.00008; gnomAD exomes 0.00009 and 0.00003; ESP Exome Variant Server 0.00023; TOPMed 0.00029; gnomAD 0.00035 and 0.00036.
gnomAD v4.1: 101 of 1,611,524 alleles (0.0063%); highest among the groups gnomAD compares: African/African-American, 0.073%; no homozygotes.

Submissions (2):

Labcorp Genetics (formerly Invitae), Labcorp
Classification: Likely benign for Epilepsy, familial adult myoclonic, 5. Last evaluated: 2025-07-25. Review status: criteria provided, single submitter. Criteria: Invitae Variant Classification Sherloc (09022015). Collection method: clinical testing. Allele origin: germline.

PreventionGenetics, part of Exact Sciences
Classification: Likely benign for CNTN2-related condition. Last evaluated: 2019-04-16. Review status: no assertion criteria provided. Collection method: clinical testing. Allele origin: germline. Not counted in ClinVar's aggregate classification.
Comment: This variant is classified as likely benign based on ACMG/AMP sequence variant interpretation guidelines (Richards et al. 2015 PMID: 25741868, with internal and published modifications).